The following is an entry in ClinVar:

NM_000393.5(COL5A2):c.3435A>C (p.Arg1145Ser)

Gene: COL5A2 (collagen type V alpha 2 chain; minus strand). Cytogenetic location: 2q32.2.
Variant type: single nucleotide variant.
Coding change: c.3435A>C on transcript NM_000393.5 (MANE Select); coding-DNA position 3435, A replaced by C.
Protein change: p.Arg1145Ser; replaces arginine 1145 with serine.
Molecular consequence: missense variant.
Genome position (GRCh38, 1-based): chr2:189,043,187, T>G on the plus strand (A>C on the coding strand, the complement: COL5A2 is on the minus strand). VCF-style: chr2-189043187-T-G. GRCh37 (hg19) VCF-style: chr2-189907913-T-G.
Other names: short protein forms R1145S.
Identifiers: ClinVar variation 3665046 (VCV003665046.2).

ClinVar aggregate classification (germline): Uncertain significance (1 of 4 stars; one submission).

Conditions:
Ehlers-Danlos syndrome, classic type, 1 (EDSCL1). Also called: EHLERS-DANLOS SYNDROME, GRAVIS TYPE; EHLERS-DANLOS SYNDROME, SEVERE CLASSIC TYPE; Ehlers-Danlos syndrome, type 1; Ehlers-Danlos Syndrome, Classic Type, COL5A1-Related; EDS I. Identifiers: MedGen C0268335, MONDO:0019567, OMIM 130000.

Submission:

Labcorp Genetics (formerly Invitae), Labcorp
Classification: Uncertain significance for Ehlers-Danlos syndrome, classic type, 1. Last evaluated: 2024-10-24. Review status: criteria provided, single submitter. Criteria: Invitae Variant Classification Sherloc (09022015). Collection method: clinical testing. Allele origin: germline.
Comment: This sequence change replaces arginine, which is basic and polar, with serine, which is neutral and polar, at codon 1145 of the COL5A2 protein (p.Arg1145Ser). This variant is not present in population databases (gnomAD no frequency). This variant has not been reported in the literature in individuals affected with COL5A2-related conditions. Invitae Evidence Modeling of protein sequence and biophysical properties (such as structural, functional, and spatial information, amino acid conservation, physicochemical variation, residue mobility, and thermodynamic stability) indicates that this missense variant is not expected to disrupt COL5A2 protein function with a negative predictive value of 80%. In summary, the available evidence is currently insufficient to determine the role of this variant in disease. Therefore, it has been classified as a Variant of Uncertain Significance.